The following is an entry in ClinVar:

ClinVar aggregate classification (germline): Pathogenic (1 of 4 stars; one submission).

Conditions:
Polycystic kidney disease 2 (PKD2). Also called: POLYCYSTIC KIDNEY DISEASE 2 WITH OR WITHOUT POLYCYSTIC LIVER DISEASE; Polycystic Kidney Disease 2, Autosomal Dominant; POLYCYSTIC KIDNEY DISEASE, ADULT, TYPE II. Identifiers: MedGen C2751306, MONDO:0013131, OMIM 613095.

Submission:

MVZ Medizinische Genetik Mainz
Classification: Pathogenic for Polycystic kidney disease 2. Last evaluated: 2025-04-01. Review status: criteria provided, single submitter. Criteria: UK Practice Guidelines For Variant Classification V4 01 2020. Collection method: clinical testing. Allele origin: germline. Inheritance: Autosomal dominant inheritance. Affected: yes. Observed: 1 variant allele.
Comment: ACMG Criteria: PVS1,PM2_SUP,PP4

NM_000297.4(PKD2):c.1293del (p.Asn432fs)

Gene: PKD2 (polycystin 2, transient receptor potential cation channel; plus strand). Cytogenetic location: 4q22.1.
Variant type: Deletion.
Coding change: c.1293del on transcript NM_000297.4 (MANE Select); coding-DNA position 1293, one base deleted (C; older notation c.1293delC).
Protein change: p.Asn432fs; shifts the reading frame from asparagine 432.
Molecular consequence: frameshift variant. On other transcripts: non-coding transcript variant (1).
Genome position (GRCh38, 1-based): chr4:88,043,431, C deleted; the last of 2 consecutive C bases (chr4:88,043,430-88,043,431); deleting either gives the same sequence. VCF-style (leftmost placement, unchanged base first): chr4-88043429-GC-G. GRCh37 (hg19) VCF-style: chr4-88964581-GC-G.
Other names: short protein forms N432fs.
Identifiers: ClinVar variation 3894565 (VCV003894565.1).